The following is an entry in ClinVar:

ClinVar aggregate classification (germline): Pathogenic (1 of 4 stars; one submission).

Conditions:
Charcot-Marie-Tooth disease type 4. Also called: Charcot-Marie-Tooth disease, type IV; Charcot-Marie-Tooth, Type 4. Identifiers: Orphanet 64749, MedGen C4082197, MONDO:0018995.

Submission:

Labcorp Genetics (formerly Invitae), Labcorp
Classification: Pathogenic for Charcot-Marie-Tooth disease type 4. Last evaluated: 2020-11-10. Review status: criteria provided, single submitter. Criteria: Invitae Variant Classification Sherloc (09022015). Collection method: clinical testing. Allele origin: germline.
Comment: Algorithms developed to predict the effect of sequence changes on RNA splicing suggest that this variant may disrupt the consensus splice site, but this prediction has not been confirmed by published transcriptional studies. For these reasons, this variant has been classified as Pathogenic. This variant has been observed in individual(s) with clinical features of Charcot-Marie-Tooth disease (Invitae). In at least one individual the data is consistent with the variant being in trans (on the opposite chromosome) from a pathogenic variant. This variant is not present in population databases (ExAC no frequency). This sequence change affects a donor splice site in intron 14 of the SH3TC2 gene. It is expected to disrupt RNA splicing. Variants that disrupt the donor or acceptor splice site typically lead to a loss of protein function (PMID: 16199547), and loss-of-function variants in SH3TC2 are known to be pathogenic (PMID: 20220177, 27068304).

Literature cited by the submitters: PubMed 16199547; PubMed 20220177; PubMed 27068304.

NM_024577.4(SH3TC2):c.3327+1G>A

Gene: SH3TC2 (SH3 domain and tetratricopeptide repeats 2; minus strand). Cytogenetic location: 5q32.
Variant type: single nucleotide variant.
Coding change: c.3327+1G>A on transcript NM_024577.4 (MANE Select); the canonical splice donor site of the intron after coding-DNA position 3327, G replaced by A.
Molecular consequence: splice donor variant.
Genome position (GRCh38, 1-based): chr5:149,010,269, C>T on the plus strand (G>A on the coding strand, the complement: SH3TC2 is on the minus strand). VCF-style: chr5-149010269-C-T. GRCh37 (hg19) VCF-style: chr5-148389832-C-T.
Identifiers: ClinVar variation 1066688 (VCV001066688.9), dbSNP rs2127392839, ClinGen allele CA361664773.
Genomic context (GRCh38, chr5:149,010,269, plus strand): 5'-CCTGACCCTTCCCATGCCCGTGCCAGGACCTGTCTCAGCAAACTGCACAGCTTGGACTTA[C>T]TCGGTAGTACTCCACTGCATGATGCCTGTGGCGGGTCCCATTGAAGAACACATCACCTGC-3'